The following is an entry in ClinVar:

ClinVar aggregate classification (germline): Uncertain significance. Review status: criteria provided, multiple submitters, no conflicts (2 of 4 stars). 2 submissions from 2 submitters: Uncertain significance (2). Last evaluated 2025-11-03.

Conditions:
Parkinsonism-dystonia, infantile. Identifiers: Orphanet 238455, MedGen C2751067, MONDO:0013150.
Inborn genetic diseases. Identifiers: MedGen C0950123, MeSH D030342.

Allele frequency attached by ClinVar (database versions not stated): ExAC 0.00001; TOPMed 0.00002.

Submissions (2):

Labcorp Genetics (formerly Invitae), Labcorp
Classification: Uncertain significance for Parkinsonism-dystonia, infantile. Last evaluated: 2025-11-03. Review status: criteria provided, single submitter. Criteria: Invitae Variant Classification Sherloc (09022015). Collection method: clinical testing. Allele origin: germline.
Comment: This sequence change replaces glycine, which is neutral and non-polar, with valine, which is neutral and non-polar, at codon 195 of the SLC6A3 protein (p.Gly195Val). This variant is present in population databases (rs780973070, gnomAD 0.0009%). This variant has not been reported in the literature in individuals affected with SLC6A3-related conditions. ClinVar contains an entry for this variant (Variation ID: 2082258). Invitae Evidence Modeling of protein sequence and biophysical properties (such as structural, functional, and spatial information, amino acid conservation, physicochemical variation, residue mobility, and thermodynamic stability) indicates that this missense variant is not expected to disrupt SLC6A3 protein function with a negative predictive value of 80%. In summary, the available evidence is currently insufficient to determine the role of this variant in disease. Therefore, it has been classified as a Variant of Uncertain Significance.

Ambry Genetics
Classification: Uncertain significance for Inborn genetic diseases. Last evaluated: 2025-10-29. Review status: criteria provided, single submitter. Criteria: Ambry Variant Classification Scheme 2023. Collection method: clinical testing. Allele origin: germline.

NM_001044.5(SLC6A3):c.584G>T (p.Gly195Val)

Gene: SLC6A3 (solute carrier family 6 member 3). Cytogenetic location: 5p15.33.
Variant type: single nucleotide variant.
Coding change: c.584G>T on transcript NM_001044.5 (MANE Select); coding-DNA position 584, G replaced by T.
Protein change: p.Gly195Val; replaces glycine 195 with valine.
Molecular consequence: missense variant.
Genome position (GRCh38, 1-based): chr5:1,432,533, C>A on the plus strand (G>T on the coding strand, the complement: SLC6A3 is on the minus strand). VCF-style: chr5-1432533-C-A. GRCh37 (hg19) VCF-style: chr5-1432648-C-A.
Other names: c.584G>T (NM_001044.4); short protein forms G195V.
Identifiers: ClinVar variation 2082258 (VCV002082258.4), dbSNP rs780973070, ClinGen allele CA3186340.
Genomic context (GRCh38, chr5:1,432,533, plus strand): 5'-TCGGCAGCAGGTGTGGTCCCAAAAGTGTCGTTGAGGCCCGAGCTGTCTCCACTGGAGTCA[C>A]CAGGATGGGCATCCGAGCAGTTGGGGCTGTTCCAGGAGTTGTTGCAGTGGATCCAGGGGA-3'
Protein context (NP_001035.1, residues 185-205): NSPNCSDAHP[Gly195Val]DSSGDSSGLN